The following is an entry in ClinVar:

NM_170707.4(LMNA):c.937-10C>A

Gene: LMNA (lamin A/C; plus strand). Cytogenetic location: 1q22.
Variant type: single nucleotide variant.
Coding change: c.937-10C>A on transcript NM_170707.4 (MANE Select); 10 bases into the intron before coding-DNA position 937, C replaced by A.
Molecular consequence: intron variant.
Genome position (GRCh38, 1-based): chr1:156,135,891, C>A. VCF-style: chr1-156135891-C-A. GRCh37 (hg19) VCF-style: chr1-156105682-C-A.
Other names: c.937-10C>A (NM_001282625.2, NM_001282626.2, NM_170708.4 and 1 more transcripts); c.601-10C>A (NM_001257374.3); c.694-10C>A (NM_001282624.2).
Identifiers: ClinVar variation 961452 (VCV000961452.9), dbSNP rs1362695395, ClinGen allele CA1139656360.
Genomic context (GRCh38, chr1:156,135,891, plus strand): 5'-CGACCCACGTCCCTCCTTCCCCATACTTAGGGCCCTTGGGAGCTCACCAAACCCTCCCAC[C>A]CCCCTTCAGCTGGCAGCCAAGGAGGCGAAGCTTCGAGACCTGGAGGACTCACTGGCCCGT-3'

ClinVar aggregate classification (germline): Uncertain significance (1 of 4 stars; one submission).

Conditions:
Charcot-Marie-Tooth disease type 2. Also called: Charcot-Marie-Tooth type 2. Identifiers: Orphanet 64746, MedGen C0270914, MONDO:0018993.

Submission:

Labcorp Genetics (formerly Invitae), Labcorp
Classification: Uncertain significance for Charcot-Marie-Tooth disease type 2. Last evaluated: 2022-03-18. Review status: criteria provided, single submitter. Criteria: Invitae Variant Classification Sherloc (09022015). Collection method: clinical testing. Allele origin: germline.
Comment: Algorithms developed to predict the effect of sequence changes on RNA splicing suggest that this variant may create or strengthen a splice site. In summary, the available evidence is currently insufficient to determine the role of this variant in disease. Therefore, it has been classified as a Variant of Uncertain Significance. ClinVar contains an entry for this variant (Variation ID: 961452). This sequence change falls in intron 5 of the LMNA gene. It does not directly change the encoded amino acid sequence of the LMNA protein. This variant is not present in population databases (gnomAD no frequency). This variant has not been reported in the literature in individuals affected with LMNA-related conditions.